The following is an entry in ClinVar:

NM_001371623.1(TCOF1):c.2593G>A (p.Glu865Lys)

Gene: TCOF1 (treacle ribosome biogenesis factor 1; plus strand). Cytogenetic location: 5q32.
Variant type: single nucleotide variant.
Coding change: c.2593G>A on transcript NM_001371623.1 (MANE Select); coding-DNA position 2593, G replaced by A.
Protein change: p.Glu865Lys; replaces glutamic acid 865 with lysine.
Molecular consequence: missense variant.
Genome position (GRCh38, 1-based): chr5:150,379,343, G>A. VCF-style: chr5-150379343-G-A. GRCh37 (hg19) VCF-style: chr5-149758906-G-A.
Other names: c.2362G>A, p.Glu788Lys (NM_000356.4, NM_001135245.2); c.2593G>A, p.Glu865Lys (NM_001008657.3, NM_001135243.2, NM_001135244.2 and 1 more transcripts); short protein forms E788K, E865K.
Identifiers: ClinVar variation 3253017 (VCV003253017.1), dbSNP rs757883831.

ClinVar aggregate classification (germline): Uncertain significance (1 of 4 stars; one submission).

Allele frequency attached by ClinVar (database versions not stated): gnomAD exomes 0.00001; ExAC 0.00002; gnomAD 0.00004; TOPMed 0.00004.

Submission:

GeneDx
Classification: Uncertain significance. Last evaluated: 2023-11-30. Review status: criteria provided, single submitter. Criteria: GeneDx Variant Classification Process June 2021. Collection method: clinical testing. Allele origin: germline. Affected: yes.
Comment: In silico analysis supports that this missense variant does not alter protein structure/function; Has not been previously published as pathogenic or benign to our knowledge